The following is an entry in ClinVar:

NM_000388.4(CASR):c.2449G>C (p.Val817Leu)

Gene: CASR (calcium sensing receptor; plus strand). Cytogenetic location: 3q21.1.
Variant type: single nucleotide variant.
Coding change: c.2449G>C on transcript NM_000388.4 (MANE Select); coding-DNA position 2449, G replaced by C.
Protein change: p.Val817Leu; replaces valine 817 with leucine.
Molecular consequence: missense variant.
Genome position (GRCh38, 1-based): chr3:122,284,403, G>C. VCF-style: chr3-122284403-G-C. GRCh37 (hg19) VCF-style: chr3-122003250-G-C.
Other names: c.2479G>C, p.Val827Leu (NM_001178065.2); short protein forms V817L, V827L.
Identifiers: ClinVar variation 934259 (VCV000934259.10), dbSNP rs1057518933, ClinGen allele CA354159828.

ClinVar aggregate classification (germline): Uncertain significance (1 of 4 stars; one submission).

Conditions:
Autosomal dominant hypocalcemia 1 (HYPOC1). Also called: HYPOCALCEMIA, FAMILIAL. Identifiers: MedGen C3715128, MONDO:0011013, OMIM 601198.
Familial hypocalciuric hypercalcemia (FHH). Also called: Familial benign hypercalcemia. Identifiers: Orphanet 405, MedGen C1809471, MONDO:0018458.

Submission:

Labcorp Genetics (formerly Invitae), Labcorp
Classification: Uncertain significance for Familial hypocalciuric hypercalcemia; Autosomal dominant hypocalcemia 1. Last evaluated: 2019-06-12. Review status: criteria provided, single submitter. Criteria: Invitae Variant Classification Sherloc (09022015). Collection method: clinical testing. Allele origin: germline.
Comment: This sequence change replaces valine with leucine at codon 817 of the CASR protein (p.Val817Leu). The valine residue is highly conserved and there is a small physicochemical difference between valine and leucine. This variant is not present in population databases (ExAC no frequency). This variant has not been reported in the literature in individuals with CASR-related conditions. Algorithms developed to predict the effect of missense changes on protein structure and function are either unavailable or do not agree on the potential impact of this missense change (SIFT: "Deleterious"; PolyPhen-2: "Probably Damaging"; Align-GVGD: "Class C0"). In summary, the available evidence is currently insufficient to determine the role of this variant in disease. Therefore, it has been classified as a Variant of Uncertain Significance.